The following is an entry in ClinVar:

ClinVar aggregate classification (germline): Pathogenic. Review status: criteria provided, multiple submitters, no conflicts (2 of 4 stars). 4 submissions from 4 submitters: Pathogenic (3). 1 of the submissions does not count toward it. Last evaluated 2022-07-18.

Conditions:
Pyruvate dehydrogenase E1-alpha deficiency (PDHAD). Also called: ATAXIA, INTERMITTENT, WITH PYRUVATE DEHYDROGENASE DEFICIENCY; ATAXIA WITH LACTIC ACIDOSIS I; ATAXIA, INTERMITTENT, WITH ABNORMAL PYRUVATE METABOLISM; Ataxia, intermittent, with pyruvate dehydrogenase, or decarboxylase, deficiency. Identifiers: Orphanet 79243, MedGen C1839413, MONDO:0010717, OMIM 312170.

Submissions (4):

New York Genome Center
Classification: Pathogenic for Pyruvate dehydrogenase E1-alpha deficiency. Last evaluated: 2022-07-18. Review status: criteria provided, single submitter. Criteria: NYGC Assertion Criteria 2020. Collection method: clinical testing. Allele origin: de novo. Affected: yes. Observed: 1 heterozygote. Study: PrenatalSEQ.
Comment: The c.523G>A variant is absent from population databases (gnomAD v2.1.1 and v3.1.2, TOPMed Freeze 8), suggesting it is not a common benign variant in the populations represented in those databases. The c.523G>A variant is located in exon 6 of this 11-exon gene and is predicted to replace an evolutionarily conserved alanine amino acid with threonine at position 175 in the alpha-helix containing the heterodimer interface of the E1-alpha of the encoded protein [PMID: 27896109]. In silico predictions are in favor of damaging effect for p.(Ala175Thr) variant [REVEL = 0.752]. Sequencing of PDHA1 cDNA derived from cultured skin fibroblast of a patient carrying the c.523G>A variant revealed skipping of exon 6 [PMID: 7887409] indicating that this variant altered the normal mRNA splicing. Functional studies demonstrated reduced PDH complex enzymatic activity in patient’s culture skin fibroblasts carrying c.523G>A variant [PMID: 27896109, 7887409]. Based on the available evidence, the de novo c.523G>A p.(Ala175Thr) variant identified in PDHA1 is reported as Pathogenic.

Labcorp Genetics (formerly Invitae), Labcorp
Classification: Pathogenic for Pyruvate dehydrogenase E1-alpha deficiency. Last evaluated: 2022-02-09. Review status: criteria provided, single submitter. Criteria: Invitae Variant Classification Sherloc (09022015). Collection method: clinical testing. Allele origin: germline.
Comment: For these reasons, this variant has been classified as Pathogenic. Studies have shown that this missense change results in skipping of exon 6, but is expected to preserve the integrity of the reading-frame (PMID: 7887409, 11102541). Algorithms developed to predict the effect of missense changes on protein structure and function are either unavailable or do not agree on the potential impact of this missense change (SIFT: "Deleterious"; PolyPhen-2: "Benign"; Align-GVGD: "Class C0"). ClinVar contains an entry for this variant (Variation ID: 561078). This variant is also known as 628G→A. This missense change has been observed in individual(s) with pyruvate dehydrogenase complex deficiency (PMID: 7887409, 27896109). In at least one individual the variant was observed to be de novo. This variant is not present in population databases (gnomAD no frequency). This sequence change replaces alanine, which is neutral and non-polar, with threonine, which is neutral and polar, at codon 175 of the PDHA1 protein (p.Ala175Thr). RNA analysis indicates that this missense change induces altered splicing and likely results in a shortened protein product.

Baylor Genetics
Classification: Pathogenic for Pyruvate dehydrogenase E1-alpha deficiency. Last evaluated: 2017-09-01. Review status: criteria provided, single submitter. Criteria: ACMG Guidelines, 2015. Collection method: clinical testing. Allele origin: germline. Inheritance: X-linked inheritance. Affected: yes.

PDHA1 Study Group, University Children’s Hospital, Paracelsus Medical University
Classification: Likely pathogenic for Pyruvate dehydrogenase E1-alpha deficiency. Last evaluated: 2024-10-15. Review status: no assertion criteria provided. Collection method: research. Allele origin: de novo. Affected: yes. Observed: 4 variant alleles. Not counted in ClinVar's aggregate classification.
Comment: The NM_000284.3:c.523G>A (p.Ala175Thr) substitution is a missense variant in PDHA1 gene.In total, 4 individuals were diagnosed with PDHA1-related Pyruvate dehydrogenase complex (PDHc) deficiency (MIM #312170). These include 2 males and 2 females. Among them, 1 case had confirmed de novo occurrence. The variant has been reported in 2 published cases (PMIDs: 27896109, 7887409, 10679936). Additional 2 unpublished cases from internal data are included. Last literature search: July 12, 2024. This variant is absent or extremely rare in population-based cohorts in the Genome Aggregation Database (gnomAD). Individuals harboring this variant presented with clinical features compatible with PDHA1-related PDHc deficiency. In summary, this variant meets criteria to be classified as likely pathogenic (LP) for PDHA1-related PDHc deficiency based on the ACMG/AMP criteria applied: PM1, PM2, PM7, PP3 (last assessment October 15, 2024).

Literature cited by the submitters: PubMed 7887409 (cited by 4 submitters); PubMed 31658717 (cited by New York Genome Center); PubMed 27896109 (cited by 3 submitters); PubMed 11102541 (cited by Labcorp Genetics (formerly Invitae), Labcorp and Baylor Genetics); PubMed 10775534 (cited by Baylor Genetics); PubMed 25326635 (cited by Baylor Genetics); PubMed 10679936 (cited by PDHA1 Study Group, University Children’s Hospital, Paracelsus Medical University); DOI 10.1093/brain/awaf430 (cited by PDHA1 Study Group, University Children’s Hospital, Paracelsus Medical University).

NM_000284.4(PDHA1):c.523G>A (p.Ala175Thr)

Gene: PDHA1 (pyruvate dehydrogenase E1 subunit alpha 1; plus strand). Cytogenetic location: Xp22.12.
Variant type: single nucleotide variant.
Coding change: c.523G>A on transcript NM_000284.4 (MANE Select); coding-DNA position 523, G replaced by A.
Protein change: p.Ala175Thr; replaces alanine 175 with threonine.
Molecular consequence: missense variant. On other transcripts: intron variant (1).
Genome position (GRCh38, 1-based): chrX:19,354,503, G>A. VCF-style: chrX-19354503-G-A. GRCh37 (hg19) VCF-style: chrX-19372621-G-A.
Other names: c.637G>A, p.Ala213Thr (NM_001173454.2); c.544G>A, p.Ala182Thr (NM_001173455.2); c.511-846G>A (NM_001173456.2); short protein forms A175T, A213T, A182T.
Identifiers: ClinVar variation 561078 (VCV000561078.8), dbSNP rs1569191372, ClinGen allele CA412393874.